The following is an entry in ClinVar:

NM_006231.4(POLE):c.1222C>T (p.Leu408Phe)

Gene: POLE (DNA polymerase epsilon, catalytic subunit; minus strand). Cytogenetic location: 12q24.33.
Variant type: single nucleotide variant.
Coding change: c.1222C>T on transcript NM_006231.4 (MANE Select); coding-DNA position 1222, C replaced by T.
Protein change: p.Leu408Phe; replaces leucine 408 with phenylalanine.
Molecular consequence: missense variant.
Genome position (GRCh38, 1-based): chr12:132,675,402, G>A on the plus strand (C>T on the coding strand, the complement: POLE is on the minus strand). VCF-style: chr12-132675402-G-A. GRCh37 (hg19) VCF-style: chr12-133251988-G-A.
Other names: short protein forms L408F.
Identifiers: ClinVar variation 3704605 (VCV003704605.2).

ClinVar aggregate classification (germline): Uncertain significance (1 of 4 stars; one submission).

gnomAD v4.1: 1 of 1,614,062 alleles (0.000062%); highest among the groups gnomAD compares: Middle Eastern, 0.017%; no homozygotes.

Submission:

Labcorp Genetics (formerly Invitae), Labcorp
Classification: Uncertain significance. Last evaluated: 2024-11-07. Review status: criteria provided, single submitter. Criteria: Invitae Variant Classification Sherloc (09022015). Collection method: clinical testing. Allele origin: germline.
Comment: This sequence change replaces leucine, which is neutral and non-polar, with phenylalanine, which is neutral and non-polar, at codon 408 of the POLE protein (p.Leu408Phe). This variant is not present in population databases (gnomAD no frequency). This variant has not been reported in the literature in individuals affected with POLE-related conditions. Invitae Evidence Modeling of protein sequence and biophysical properties (such as structural, functional, and spatial information, amino acid conservation, physicochemical variation, residue mobility, and thermodynamic stability) indicates that this missense variant is not expected to disrupt POLE protein function with a negative predictive value of 80%. In summary, the available evidence is currently insufficient to determine the role of this variant in disease. Therefore, it has been classified as a Variant of Uncertain Significance.